The following is an entry in ClinVar:

NM_212482.4(FN1):c.5002A>G (p.Thr1668Ala)

Gene: FN1 (fibronectin 1; minus strand). Cytogenetic location: 2q35.
Variant type: single nucleotide variant.
Coding change: c.5002A>G on transcript NM_212482.4 (MANE Select); coding-DNA position 5002, A replaced by G.
Protein change: p.Thr1668Ala; replaces threonine 1668 with alanine.
Molecular consequence: missense variant.
Genome position (GRCh38, 1-based): chr2:215,383,376, T>C on the plus strand (A>G on the coding strand, the complement: FN1 is on the minus strand). VCF-style: chr2-215383376-T-C. GRCh37 (hg19) VCF-style: chr2-216248099-T-C.
Other names: c.5002A>G, p.Thr1668Ala (NM_001306129.2, NM_001306130.2, NM_001365517.2 and 3 more transcripts); c.4729A>G, p.Thr1577Ala (NM_001306131.2, NM_001306132.2, NM_001365518.2 and 7 more transcripts); short protein forms T1668A, T1577A.
Identifiers: ClinVar variation 2784891 (VCV002784891.3), dbSNP rs2469573750, ClinGen allele CA350477754.

ClinVar aggregate classification (germline): Uncertain significance (1 of 4 stars; one submission).

Allele frequency attached by ClinVar (database versions not stated): gnomAD exomes below 0.00001.
gnomAD v4.1: 1 of 1,613,978 alleles (0.000062%); highest among the groups gnomAD compares: Non-Finnish European, 0.000085%; no homozygotes.

Submission:

Labcorp Genetics (formerly Invitae), Labcorp
Classification: Uncertain significance. Last evaluated: 2024-07-22. Review status: criteria provided, single submitter. Criteria: Invitae Variant Classification Sherloc (09022015). Collection method: clinical testing. Allele origin: germline.
Comment: This sequence change replaces threonine, which is neutral and polar, with alanine, which is neutral and non-polar, at codon 1668 of the FN1 protein (p.Thr1668Ala). This variant is not present in population databases (gnomAD no frequency). This variant has not been reported in the literature in individuals affected with FN1-related conditions. An algorithm developed to predict the effect of missense changes on protein structure and function outputs the following: PolyPhen-2: "Benign". The alanine amino acid residue is found in multiple mammalian species, which suggests that this missense change does not adversely affect protein function. In summary, the available evidence is currently insufficient to determine the role of this variant in disease. Therefore, it has been classified as a Variant of Uncertain Significance.